The following is an entry in ClinVar:

NM_001039803.3(CDK20):c.564delG

Gene: CDK20 (cyclin dependent kinase 20; minus strand). Cytogenetic location: 9q22.1.
Variant type: Deletion.
Coding change: c.564delG on transcript NM_001039803.3 (MANE Select); coding-DNA position 564, one base deleted (G).
Molecular consequence: splice acceptor variant. On other transcripts: intron variant (1).
Genome position (GRCh38, 1-based): chr9:87,969,919, C deleted on the plus strand (G on the coding strand, the reverse complement: CDK20 is on the minus strand); the first of 2 consecutive C bases (chr9:87,969,919-87,969,920); deleting either gives the same sequence. VCF-style (leftmost placement, unchanged base first): chr9-87969918-AC-A. GRCh37 (hg19) VCF-style: chr9-90584833-AC-A.
Other names: c.501-570del (NM_001170640.2).
Identifiers: ClinVar variation 3374857 (VCV003374857.1).

ClinVar aggregate classification (germline): Uncertain significance (1 of 4 stars; one submission).

Submission:

Women's Health and Genetics/Laboratory Corporation of America, LabCorp
Classification: Uncertain significance. Last evaluated: 2024-09-12. Review status: criteria provided, single submitter. Criteria: LabCorp Variant Classification Summary - May 2015. Collection method: clinical testing. Allele origin: germline.
Comment: Variant summary: CDK20 c.564delG (p.Trp188CysfsX11) results in a premature termination codon, predicted to cause a truncation of the encoded protein or absence of the protein due to nonsense mediated decay, however current evidence is not sufficient to establish loss of function as a mechanism for disease. The variant was absent in 205392 control chromosomes (gnomAD). The available data on variant occurrences in the general population are insufficient to allow any conclusion about variant significance. To our knowledge, no occurrence of c.564delG in individuals affected with CDK20-Related Disorders and no experimental evidence demonstrating its impact on protein function have been reported. No submitters have cited clinical-significance assessments for this variant to ClinVar. Based on the evidence outlined above, the variant was classified as uncertain significance.